The following is an entry in ClinVar:

ClinVar aggregate classification (germline): Uncertain significance (1 of 4 stars; one submission).

Conditions:
Acromesomelic dysplasia 3 (AMD3). Also called: CHONDRODYSPLASIA, ACROMESOMELIC, WITH OR WITHOUT GENITAL ANOMALIES; Acromesomelic dysplasia, Demirhan type. Identifiers: MedGen C4225404, MONDO:0012274, OMIM 609441.
Type A2 brachydactyly (BDA2). Also called: Brachymesophalangy type 2; BRACHYMESOPHALANGY II; MOHR-WRIEDT TYPE BRACHYDACTYLY. Identifiers: Orphanet 93396, MedGen C1832702, MONDO:0007216, OMIM 112600, HP:0009372.

Allele frequency attached by ClinVar (database versions not stated): gnomAD exomes below 0.00001; ExAC 0.00001.
gnomAD v4.1: 2 of 1,614,150 alleles (0.00012%); highest among the groups gnomAD compares: Non-Finnish European, 0.00017%; no homozygotes.

Submission:

Labcorp Genetics (formerly Invitae), Labcorp
Classification: Uncertain significance for Type A2 brachydactyly; Acromesomelic dysplasia 3. Last evaluated: 2024-08-13. Review status: criteria provided, single submitter. Criteria: Invitae Variant Classification Sherloc (09022015). Collection method: clinical testing. Allele origin: germline.
Comment: This sequence change replaces threonine, which is neutral and polar, with alanine, which is neutral and non-polar, at codon 471 of the BMPR1B protein (p.Thr471Ala). This variant is present in population databases (rs752827445, gnomAD 0.0009%). This variant has not been reported in the literature in individuals affected with BMPR1B-related conditions. ClinVar contains an entry for this variant (Variation ID: 1517888). Advanced modeling of protein sequence and biophysical properties (such as structural, functional, and spatial information, amino acid conservation, physicochemical variation, residue mobility, and thermodynamic stability) performed at Invitae indicates that this missense variant is not expected to disrupt BMPR1B protein function with a negative predictive value of 80%. In summary, the available evidence is currently insufficient to determine the role of this variant in disease. Therefore, it has been classified as a Variant of Uncertain Significance.

NM_001203.3(BMPR1B):c.1411A>G (p.Thr471Ala)

Gene: BMPR1B (bone morphogenetic protein receptor type 1B; plus strand). Cytogenetic location: 4q22.3.
Variant type: single nucleotide variant.
Coding change: c.1411A>G on transcript NM_001203.3 (MANE Select); coding-DNA position 1411, A replaced by G.
Protein change: p.Thr471Ala; replaces threonine 471 with alanine.
Molecular consequence: missense variant.
Genome position (GRCh38, 1-based): chr4:95,154,575, A>G. VCF-style: chr4-95154575-A-G. GRCh37 (hg19) VCF-style: chr4-96075726-A-G.
Other names: c.1411A>G, p.Thr471Ala (NM_001256792.2, NM_001256794.1); c.1501A>G, p.Thr501Ala (NM_001256793.2); short protein forms T471A, T501A.
Identifiers: ClinVar variation 1517888 (VCV001517888.8), dbSNP rs752827445, ClinGen allele CA3015253.